The following is an entry in ClinVar:

NM_001369.3(DNAH5):c.4959G>C (p.Lys1653Asn)

Gene: DNAH5 (dynein axonemal heavy chain 5; minus strand). Cytogenetic location: 5p15.2.
Variant type: single nucleotide variant.
Coding change: c.4959G>C on transcript NM_001369.3 (MANE Select); coding-DNA position 4959, G replaced by C.
Protein change: p.Lys1653Asn; replaces lysine 1653 with asparagine.
Molecular consequence: missense variant.
Genome position (GRCh38, 1-based): chr5:13,850,807, C>G on the plus strand (G>C on the coding strand, the complement: DNAH5 is on the minus strand). VCF-style: chr5-13850807-C-G. GRCh37 (hg19) VCF-style: chr5-13850916-C-G.
Other names: short protein forms K1653N.
Identifiers: ClinVar variation 1210276 (VCV001210276.2), dbSNP rs1207203971, ClinGen allele CA359217611.

ClinVar aggregate classification (germline): Uncertain significance. Review status: criteria provided, multiple submitters, no conflicts (2 of 4 stars). 2 submissions from 2 submitters: Uncertain significance (2). Last evaluated 2025-02-23.

Conditions:
Primary ciliary dyskinesia. Also called: Ciliary dyskinesia. Identifiers: Orphanet 244, MedGen C0008780, MONDO:0016575, HP:0012265.

Submissions (2):

Ambry Genetics
Classification: Uncertain significance for Primary ciliary dyskinesia. Last evaluated: 2025-02-23. Review status: criteria provided, single submitter. Criteria: Ambry Variant Classification Scheme 2023. Collection method: clinical testing. Allele origin: germline.
Comment: The p.K1653N variant (also known as c.4959G>C), located in coding exon 31 of the DNAH5 gene, results from a G to C substitution at nucleotide position 4959. The lysine at codon 1653 is replaced by asparagine, an amino acid with similar properties. This amino acid position is conserved. In addition, this alteration is predicted to be tolerated by in silico analysis. Based on the available evidence, the clinical significance of this variant remains unclear.

UNC Molecular Genetics  Laboratory, University of North Carolina at Chapel Hill
Classification: Uncertain significance for Primary ciliary dyskinesia. Last evaluated: 2021-04-07. Review status: criteria provided, single submitter. Criteria: ACMG Guidelines, 2015. Collection method: clinical testing. Allele origin: germline. Observed: 1 heterozygote.